The following is an entry in ClinVar:

ClinVar aggregate classification (germline): Uncertain significance. Review status: criteria provided, multiple submitters, no conflicts (2 of 4 stars). 4 submissions from 4 submitters: Uncertain significance (4). Last evaluated 2025-05-05.

Conditions:
Drash syndrome (DDS). Also called: WILMS TUMOR AND PSEUDO- OR TRUE HERMAPHRODITISM; NEPHROPATHY, WILMS TUMOR, AND GENITAL ANOMALIES. Identifiers: Orphanet 220, MedGen C0950121, MONDO:0008682, OMIM 194080.
Frasier syndrome. Identifiers: Orphanet 347, MedGen C0950122, MeSH D052159, MONDO:0007635, OMIM 136680.
Wilms tumor 1 (WT1). Also called: Wilms tumor, somatic. Identifiers: Orphanet 654, MedGen CN033288, MONDO:0008679, OMIM 194070.
11p partial monosomy syndrome (WAGR). Also called: WAGR Complex; CHROMOSOME 11p13 DELETION SYNDROME; WAGR syndrome; WAGR Spectrum Disorder. Identifiers: Orphanet 893, MedGen C0206115, MONDO:0008681, OMIM 194072.
Inborn genetic diseases. Identifiers: MedGen C0950123, MeSH D030342.

Submissions (4):

Labcorp Genetics (formerly Invitae), Labcorp
Classification: Uncertain significance for Wilms tumor 1; Drash syndrome; 11p partial monosomy syndrome; Frasier syndrome. Last evaluated: 2025-05-05. Review status: criteria provided, single submitter. Criteria: Invitae Variant Classification Sherloc (09022015). Collection method: clinical testing. Allele origin: germline.
Comment: This sequence change replaces serine, which is neutral and polar, with asparagine, which is neutral and polar, at codon 97 of the WT1 protein (p.Ser97Asn). This variant is not present in population databases (gnomAD no frequency). This variant has not been reported in the literature in individuals affected with WT1-related conditions. ClinVar contains an entry for this variant (Variation ID: 839568). Invitae Evidence Modeling of protein sequence and biophysical properties (such as structural, functional, and spatial information, amino acid conservation, physicochemical variation, residue mobility, and thermodynamic stability) indicates that this missense variant is not expected to disrupt WT1 protein function with a negative predictive value of 95%. In summary, the available evidence is currently insufficient to determine the role of this variant in disease. Therefore, it has been classified as a Variant of Uncertain Significance.

Ambry Genetics
Classification: Uncertain significance for Inborn genetic diseases. Last evaluated: 2024-12-06. Review status: criteria provided, single submitter. Criteria: Ambry Variant Classification Scheme 2023. Collection method: clinical testing. Allele origin: germline.
Comment: The p.S97N variant (also known as c.290G>A), located in coding exon 1 of the WT1 gene, results from a G to A substitution at nucleotide position 290. The serine at codon 97 is replaced by asparagine, an amino acid with highly similar properties. This amino acid position is conserved. In addition, this alteration is predicted to be tolerated by in silico analysis. Based on the available evidence, the clinical significance of this variant remains unclear.

All of Us Research Program, National Institutes of Health
Classification: Uncertain significance for Wilms tumor 1. Last evaluated: 2023-08-15. Review status: criteria provided, single submitter. Criteria: ACMG Guidelines, 2015. Collection method: clinical testing. Allele origin: germline. Inheritance: Autosomal dominant inheritance. Observed: 1 variant allele, 1 heterozygote.
Comment: This missense variant replaces serine with asparagine at codon 97 of the WT1 protein. Computational prediction suggests that this variant may not impact protein structure and function (internally defined REVEL score threshold <= 0.5, PMID: 27666373). To our knowledge, functional studies have not been reported for this variant. This variant has not been reported in individuals affected with WT1-related disorders in the literature. This variant has not been identified in the general population by the Genome Aggregation Database (gnomAD). The available evidence is insufficient to determine the role of this variant in disease conclusively. Therefore, this variant is classified as a Variant of Uncertain Significance.

This study involves interpretation of variants in research participants for the purpose of population health screening. Participant phenotype was not available at the time of variant classification. Additional details can be found in publication PMID: 35346344, PMCID: PMC8962531

Baylor Genetics
Classification: Uncertain significance for Drash syndrome. Last evaluated: 2023-05-12. Review status: criteria provided, single submitter. Criteria: ACMG Guidelines, 2015. Collection method: clinical testing. Allele origin: unknown.

NM_024426.6(WT1):c.305G>A (p.Ser102Asn)

Genes: WT1 (WT1 transcription factor; minus strand), LOC107982234 (WT1/WT1-AS bi-directional promoter region; plus strand). Cytogenetic location: 11p13.
Variant type: single nucleotide variant.
Coding change: c.305G>A on transcript NM_024426.6 (MANE Select); coding-DNA position 305, G replaced by A.
Protein change: p.Ser102Asn; replaces serine 102 with asparagine.
Molecular consequence: missense variant. On other transcripts: non-coding transcript variant (1).
Genome position (GRCh38, 1-based): chr11:32,435,056, C>T on the plus strand (G>A on the coding strand, the complement: WT1 is on the minus strand). VCF-style: chr11-32435056-C-T. GRCh37 (hg19) VCF-style: chr11-32456602-C-T.
Other names: c.305G>A, p.Ser102Asn (NM_000378.6, NM_024424.5); short protein forms S102N.
Identifiers: ClinVar variation 839568 (VCV000839568.13), dbSNP rs1210117032, ClinGen allele CA379965966.